The following is an entry in ClinVar:

NM_000350.3(ABCA4):c.571T>A (p.Phe191Ile)

Gene: ABCA4 (ATP binding cassette subfamily A member 4; minus strand). Cytogenetic location: 1p22.1.
Variant type: single nucleotide variant.
Coding change: c.571T>A on transcript NM_000350.3 (MANE Select); coding-DNA position 571, T replaced by A.
Protein change: p.Phe191Ile; replaces phenylalanine 191 with isoleucine.
Molecular consequence: missense variant.
Genome position (GRCh38, 1-based): chr1:94,098,991, A>T on the plus strand (T>A on the coding strand, the complement: ABCA4 is on the minus strand). VCF-style: chr1-94098991-A-T. GRCh37 (hg19) VCF-style: chr1-94564547-A-T.
Other names: c.571T>A, p.Phe191Ile (NM_001425324.1); short protein forms F191I.
Identifiers: ClinVar variation 1042537 (VCV001042537.11), dbSNP rs200696846, ClinGen allele CA958799.

ClinVar aggregate classification (germline): Uncertain significance. Review status: criteria provided, multiple submitters, no conflicts (2 of 4 stars). 2 submissions from 2 submitters: Uncertain significance (2). Last evaluated 2025-03-31.

Conditions:
Inborn genetic diseases. Identifiers: MedGen C0950123, MeSH D030342.

Allele frequency attached by ClinVar (database versions not stated): gnomAD exomes below 0.00001 and 0.00001; ExAC 0.00001; gnomAD 0.00005 and 0.00006; TOPMed 0.00005; ESP Exome Variant Server 0.00008; 1000 Genomes Project 30x 0.00016; 1000 Genomes Project 0.00020.
gnomAD v4.1: 15 of 1,605,408 alleles (0.00093%); highest among the groups gnomAD compares: African/African-American, 0.015%; no homozygotes.

Submissions (2):

Labcorp Genetics (formerly Invitae), Labcorp
Classification: Uncertain significance. Last evaluated: 2025-03-31. Review status: criteria provided, single submitter. Criteria: Invitae Variant Classification Sherloc (09022015). Collection method: clinical testing. Allele origin: germline.
Comment: This sequence change replaces phenylalanine, which is neutral and non-polar, with isoleucine, which is neutral and non-polar, at codon 191 of the ABCA4 protein (p.Phe191Ile). This variant is present in population databases (rs200696846, gnomAD 0.01%). This missense change has been observed in individual(s) with Stargardt disease (internal data). ClinVar contains an entry for this variant (Variation ID: 1042537). An algorithm developed to predict the effect of missense changes on protein structure and function (PolyPhen-2) suggests that this variant is likely to be disruptive. In summary, the available evidence is currently insufficient to determine the role of this variant in disease. Therefore, it has been classified as a Variant of Uncertain Significance.

Ambry Genetics
Classification: Uncertain significance for Inborn genetic diseases. Last evaluated: 2021-07-16. Review status: criteria provided, single submitter. Criteria: Ambry Variant Classification Scheme 2023. Collection method: clinical testing. Allele origin: germline.